The following is an entry in ClinVar:

ClinVar aggregate classification (germline): Uncertain significance (1 of 4 stars; one submission).

gnomAD v4.1: 1 of 1,210,649 alleles (0.000083%); highest among the groups gnomAD compares: African/African-American, 0.0017%; no homozygotes.

Submission:

Labcorp Genetics (formerly Invitae), Labcorp
Classification: Uncertain significance. Last evaluated: 2025-12-11. Review status: criteria provided, single submitter. Criteria: Invitae Variant Classification Sherloc (09022015). Collection method: clinical testing. Allele origin: germline.
Comment: This sequence change replaces serine, which is neutral and polar, with alanine, which is neutral and non-polar, at codon 309 of the BGN protein (p.Ser309Ala). This variant is present in population databases (no rsID available, gnomAD 0.02%). This variant has not been reported in the literature in individuals affected with BGN-related conditions. Invitae Evidence Modeling of protein sequence and biophysical properties (such as structural, functional, and spatial information, amino acid conservation, physicochemical variation, residue mobility, and thermodynamic stability) indicates that this missense variant is not expected to disrupt BGN protein function with a negative predictive value of 80%. In summary, the available evidence is currently insufficient to determine the role of this variant in disease. Therefore, it has been classified as a Variant of Uncertain Significance.

NM_001711.6(BGN):c.925T>G (p.Ser309Ala)

Gene: BGN (biglycan; plus strand). Cytogenetic location: Xq28.
Variant type: single nucleotide variant.
Coding change: c.925T>G on transcript NM_001711.6 (MANE Select); coding-DNA position 925, T replaced by G.
Protein change: p.Ser309Ala; replaces serine 309 with alanine.
Molecular consequence: missense variant.
Genome position (GRCh38, 1-based): chrX:153,508,263, T>G. VCF-style: chrX-153508263-T-G. GRCh37 (hg19) VCF-style: chrX-152773721-T-G.
Other names: short protein forms S309A.
Identifiers: ClinVar variation 4700978 (VCV004700978.1).
Genomic context (GRCh38, chrX:153,508,263, plus strand): 5'-GTGGAGGGAGGGAGGCCTGCCGTGACCCGGCCTCTCTGCCTTCAGGTGGTCTATCTGCAC[T>G]CCAACAACATCACCAAAGTGGGTGTCAACGACTTCTGTCCCATGGGCTTCGGGGTGAAGC-3'
Protein context (NP_001702.1, residues 299-319): LKLLQVVYLH[Ser309Ala]NNITKVGVND